The following is an entry in ClinVar:

ClinVar aggregate classification (germline): Likely benign. Review status: criteria provided, multiple submitters, no conflicts (2 of 4 stars). 6 submissions from 6 submitters: Likely benign (6). Last evaluated 2026-07-01.

Conditions:
Glycogen storage disease, type II (IOPD). Also called: POMPE DISEASE, INFANTILE-ONSET; GLYCOGEN STORAGE DISEASE II, INFANTILE-ONSET; ACID ALPHA-GLUCOSIDASE DEFICIENCY, INFANTILE-ONSET; GAA DEFICIENCY, INFANTILE-ONSET; ACID MALTASE DEFICIENCY, INFANTILE-ONSET; CARDIOMEGALIA GLYCOGENICA DIFFUSA. Identifiers: Orphanet 365, MedGen C0017921, MONDO:0009290, OMIM 232300.
Cardiovascular phenotype. Identifiers: MedGen CN230736.

Allele frequency attached by ClinVar (database versions not stated): ExAC 0.00009; gnomAD exomes 0.00009; 1000 Genomes Project 30x 0.00016; 1000 Genomes Project 0.00020; gnomAD 0.00004 and 0.00007; TOPMed 0.00004.

Submissions (6):

Genomenon, Inc
Classification: Likely benign for Glycogen storage disease, type II. Last evaluated: 2026-07-01. Review status: criteria provided, single submitter. Criteria: Genomenon Sequence Variant Interpretation Standards - Updated. Collection method: curation. Allele origin: germline. Affected: no.
Comment: GAA c.762G>A is a synonymous variant that retains Serine at codon 254. This variant has been reported in the published literature (PMID:33297573). It is absent or not present at a significant frequency in gnomAD. This variant is not predicted to impact splicing. In conclusion, we classify GAA c.762G>A (p.Ser254=) as a likely benign variant.

Labcorp Genetics (formerly Invitae), Labcorp
Classification: Likely benign for Glycogen storage disease, type II. Last evaluated: 2026-01-28. Review status: criteria provided, single submitter. Criteria: Invitae Variant Classification Sherloc (09022015). Collection method: clinical testing. Allele origin: germline.

Mayo Clinic Laboratories, Mayo Clinic
Classification: Likely benign. Last evaluated: 2025-03-18. Review status: criteria provided, single submitter. Criteria: ACMG Guidelines, 2015. Collection method: clinical testing. Allele origin: germline. Observed: 2 variant alleles.
Comment: BP4, BP7

Fulgent Genetics
Classification: Likely benign for Glycogen storage disease, type II. Last evaluated: 2021-07-05. Review status: criteria provided, single submitter. Criteria: ACMG Guidelines, 2015. Collection method: clinical testing. Allele origin: unknown.

Ambry Genetics
Classification: Likely benign for Cardiovascular phenotype. Last evaluated: 2021-06-06. Review status: criteria provided, single submitter. Criteria: Ambry Variant Classification Scheme 2023. Collection method: clinical testing. Allele origin: germline.

GeneDx
Classification: Likely benign. Last evaluated: 2019-05-07. Review status: criteria provided, single submitter. Criteria: GeneDx Variant Classification Process June 2021. Collection method: clinical testing. Allele origin: germline. Affected: yes.

Literature cited by the submitters: PubMed 33297573 (cited by Genomenon, Inc).

NM_000152.5(GAA):c.762G>A (p.Ser254=)

Gene: GAA (alpha glucosidase; plus strand). Cytogenetic location: 17q25.3.
Variant type: single nucleotide variant.
Coding change: c.762G>A on transcript NM_000152.5 (MANE Select); coding-DNA position 762, G replaced by A.
Protein change: p.Ser254=; no amino-acid change (serine 254 retained).
Molecular consequence: synonymous variant.
Genome position (GRCh38, 1-based): chr17:80,107,626, G>A. VCF-style: chr17-80107626-G-A. GRCh37 (hg19) VCF-style: chr17-78081425-G-A.
Other names: p.Ser254=; c.762G>A, p.Ser254= (NM_001079803.3, NM_001079804.3); c.762G>A (LRG_673t1).
Identifiers: ClinVar variation 509666 (VCV000509666.18), dbSNP rs533960093, ClinGen allele CA8815010.